The following is an entry in ClinVar:

ClinVar aggregate classification (germline): Likely pathogenic (1 of 4 stars; one submission).

Conditions:
Autosomal recessive polycystic kidney disease (ARPKD). Also called: AR polycystic kidney disease. Identifiers: Orphanet 731, Orphanet 8378, MedGen C0085548, MeSH D017044, MONDO:0009889.

Submission:

Natera, Inc.
Classification: Likely pathogenic for Autosomal recessive polycystic kidney disease. Last evaluated: 2025-04-24. Review status: criteria provided, single submitter. Criteria: Natera Variant Classification Schema (03/2026). Collection method: clinical testing. Allele origin: germline.
Comment: The c.9846_9852del variant in PKHD1 is a frameshift variant predicted to shift the reading frame beginning at codon 3282 and leads to a stop codon 26 codons downstream. This variant is expected to result in nonsense mediated decay, truncation, or a dysfunctional protein product. This variant is rare in the general population with a frequency below the threshold expected for the associated phenotype(s). Given the available evidence, this variant is classified as Likely Pathogenic.

NM_138694.4(PKHD1):c.9846_9852del (p.Ser3282fs)

Gene: PKHD1 (PKHD1 ciliary IPT domain containing fibrocystin/polyductin; minus strand). Cytogenetic location: 6p12.3.
Variant type: Deletion.
Coding change: c.9846_9852del on transcript NM_138694.4 (MANE Select); coding-DNA positions 9846 to 9852, 7 bases deleted (TTTTGTG; older notation c.9846_9852delTTTTGTG).
Protein change: p.Ser3282fs; shifts the reading frame from serine 3282.
Molecular consequence: frameshift variant.
Genome position (GRCh38, 1-based): chr6:51,746,867-51,746,873, CACAAAA deleted on the plus strand (TTTTGTG on the coding strand, the reverse complement: PKHD1 is on the minus strand); deleting any 7 consecutive bases within chr6:51,746,867-51,746,874 gives the same sequence; the c. name uses the placement nearest the transcript's 3' end. VCF-style (leftmost placement, unchanged base first): chr6-51746866-TCACAAAA-T. GRCh37 (hg19) VCF-style: chr6-51611664-TCACAAAA-T.
Other names: c.9846_9852del, p.Ser3282fs (NM_170724.3); short protein forms S3282fs.
Identifiers: ClinVar variation 4059919 (VCV004059919.2).